The following is an entry in ClinVar:

ClinVar aggregate classification (germline): Benign. Review status: criteria provided, multiple submitters, no conflicts (2 of 4 stars). 2 submissions from 2 submitters: Benign (2). Last evaluated 2025-10-08.

Conditions:
Emery-Dreifuss muscular dystrophy 5, autosomal dominant (EDMD5). Also called: EMERY-DREIFUSS MUSCULAR DYSTROPHY 5. Identifiers: Orphanet 261, MedGen C2751805, MONDO:0013072, OMIM 612999.

Allele frequency attached by ClinVar (database versions not stated): gnomAD 0.00001 and 0.00009; TOPMed 0.00002; 1000 Genomes Project 30x 0.00016; 1000 Genomes Project 0.00020; gnomAD exomes 0.00021 and 0.00046; ExAC 0.00044.
gnomAD v4.1: 314 of 1,609,622 alleles (0.02%); highest among the groups gnomAD compares: South Asian, 0.33%; 2 homozygotes.

Submissions (2):

Labcorp Genetics (formerly Invitae), Labcorp
Classification: Benign for Emery-Dreifuss muscular dystrophy 5, autosomal dominant. Last evaluated: 2025-10-08. Review status: criteria provided, single submitter. Criteria: Invitae Variant Classification Sherloc (09022015). Collection method: clinical testing. Allele origin: germline.

CeGaT Center for Human Genetics Tuebingen
Classification: Benign. Last evaluated: 2022-06-01. Review status: criteria provided, single submitter. Criteria: CeGaT Center For Human Genetics Tuebingen Variant Classification Criteria Version 2. Collection method: clinical testing. Allele origin: germline. Affected: yes. Observed: 1 variant allele.
Comment: SYNE2: BS1, BS2

NM_182914.3(SYNE2):c.15624G>A (p.Leu5208=)

Gene: SYNE2 (spectrin repeat containing nuclear envelope protein 2; plus strand). Cytogenetic location: 14q23.2.
Variant type: single nucleotide variant.
Coding change: c.15624G>A on transcript NM_182914.3 (MANE Select); coding-DNA position 15624, G replaced by A.
Protein change: p.Leu5208=; no amino-acid change (leucine 5208 retained).
Molecular consequence: synonymous variant.
Genome position (GRCh38, 1-based): chr14:64,146,208, G>A. VCF-style: chr14-64146208-G-A. GRCh37 (hg19) VCF-style: chr14-64612926-G-A.
Other names: c.15624G>A, p.Leu5208= (NM_015180.6).
Identifiers: ClinVar variation 1167467 (VCV001167467.33), dbSNP rs371688900, ClinGen allele CA7223135.
Genomic context (GRCh38, chr14:64,146,208, plus strand): 5'-ACAAGAAGAGAGACTGAAAACTTTACAAAAACCTGAAAGTGTGATCTCAGTGCAGAAGCT[G>A]CTCCTGGACTGTCAGGTGAGGAGGGGAACAGCATCCCACCCAACCCGCGAGCTGGGGTGA-3'
Protein context (NP_878918.2, residues 5198-5218): KPESVISVQK[Leu5208=]LLDCQDIENQ